The following is an entry in ClinVar:

ClinVar aggregate classification (germline): Likely pathogenic (1 of 4 stars; one submission).

Submission:

Labcorp Genetics (formerly Invitae), Labcorp
Classification: Likely pathogenic. Last evaluated: 2025-09-01. Review status: criteria provided, single submitter. Criteria: Invitae Variant Classification Sherloc (09022015). Collection method: clinical testing. Allele origin: germline.
Comment: This sequence change affects an acceptor splice site in intron 6 of the SERPINF1 gene. It is expected to disrupt RNA splicing. Variants that disrupt the donor or acceptor splice site typically lead to a loss of protein function (PMID: 16199547), and loss-of-function variants in SERPINF1 are known to be pathogenic (PMID: 21353196, 21826736). This variant is not present in population databases (gnomAD no frequency). This variant has not been reported in the literature in individuals affected with SERPINF1-related conditions. Algorithms developed to predict the effect of sequence changes on RNA splicing suggest that this variant may disrupt the consensus splice site. In summary, the currently available evidence indicates that the variant is pathogenic, but additional data are needed to prove that conclusively. Therefore, this variant has been classified as Likely Pathogenic.

Literature cited by the submitters: PubMed 16199547; PubMed 21353196; PubMed 21826736.

NM_002615.7(SERPINF1):c.787-1G>T

Gene: SERPINF1 (serpin family F member 1; plus strand). Cytogenetic location: 17p13.3.
Variant type: single nucleotide variant.
Coding change: c.787-1G>T on transcript NM_002615.7 (MANE Select); the canonical splice acceptor site of the intron before coding-DNA position 787, G replaced by T.
Molecular consequence: splice acceptor variant.
Genome position (GRCh38, 1-based): chr17:1,776,531, G>T. VCF-style: chr17-1776531-G-T. GRCh37 (hg19) VCF-style: chr17-1679825-G-T.
Other names: c.226-1G>T (NM_001329904.2, NM_001329905.2); c.787-1G>T (NM_001329903.2).
Identifiers: ClinVar variation 4809426 (VCV004809426.1).